The following is an entry in ClinVar:

ClinVar aggregate classification (germline): Uncertain significance. Review status: criteria provided, multiple submitters, no conflicts (2 of 4 stars). 6 submissions from 6 submitters: Uncertain significance (6). Last evaluated 2026-01-16.

Conditions:
Congenital myopathy with fiber type disproportion. Also called: Congenital fiber-type disproportion; Congenital fiber-type disproportion myopathy. Identifiers: Orphanet 2020, MedGen C0546264, MONDO:0009711. Inheritance: all.
Myosin storage myopathy (CMYO7A). Also called: SCAPULOPERONEAL MUSCULAR DYSTROPHY; SCAPULOPERONEAL SYNDROME, MYOPATHIC TYPE; MYH7-related late-onset scapuloperoneal muscular dystrophy; Congenital myopathy 7A, myosin storage, autosomal dominant; MYOPATHY, HYALINE BODY, AUTOSOMAL DOMINANT; Scapuloperoneal myopathy, MYH7-related. Identifiers: Orphanet 437572, Orphanet 636965, MedGen C1842160, MONDO:0008409, OMIM 608358.
Hypertrophic cardiomyopathy 1 (CMH1). Also called: Familial hypertrophic cardiomyopathy 1; MYH7-Related Familial Hypertrophic Cardiomyopathy. Identifiers: MedGen C3495498, MONDO:0008647, OMIM 192600.
MYH7-related skeletal myopathy. Also called: Myopathy, distal, 1; MYOPATHY, DISTAL, EARLY-ONSET, AUTOSOMAL DOMINANT; MYOPATHY, LATE DISTAL HEREDITARY; Laing distal myopathy; Laing early-onset distal myopathy. Identifiers: Orphanet 59135, MedGen C4552004, MONDO:0008050, OMIM 160500.
Dilated cardiomyopathy 1S (CMD1S). Identifiers: Orphanet 154, Orphanet 54260, MedGen C1834481, MONDO:0013262, OMIM 613426.
Myopathy, myosin storage, autosomal recessive (CMYO7B). Also called: CONGENITAL MYOPATHY 7B, MYOSIN STORAGE, AUTOSOMAL RECESSIVE. Identifiers: Orphanet 636970, MedGen C1850709, MONDO:0009708, OMIM 255160.
Hypertrophic cardiomyopathy. Also called: HYPERTROPHIC MYOCARDIOPATHY. Identifiers: Orphanet 217569, MedGen C0007194, MeSH D002312, MONDO:0005045, HP:0001639.
Cardiomyopathy (CMYO). Also called: Cardiomyopathies. Identifiers: Orphanet 167848, MedGen C0878544, MONDO:0004994, HP:0001638. Inheritance: Various modes of inheritance.
Cardiovascular phenotype. Identifiers: MedGen CN230736.

Allele frequency attached by ClinVar (database versions not stated): gnomAD exomes 0.00002; ExAC 0.00003; gnomAD 0.00003; TOPMed 0.00003.
gnomAD v4.1: 28 of 1,613,784 alleles (0.0017%); highest among the groups gnomAD compares: South Asian, 0.0033%; no homozygotes.

Submissions (6):

Labcorp Genetics (formerly Invitae), Labcorp
Classification: Uncertain significance for Hypertrophic cardiomyopathy. Last evaluated: 2026-01-16. Review status: criteria provided, single submitter. Criteria: Invitae Variant Classification Sherloc (09022015). Collection method: clinical testing. Allele origin: germline.
Comment: This sequence change replaces arginine, which is basic and polar, with glutamine, which is neutral and polar, at codon 1260 of the MYH7 protein (p.Arg1260Gln). This variant is present in population databases (rs747308839, gnomAD 0.006%). This missense change has been observed in individual(s) with clinical features of MYH7-related conditions (internal data). ClinVar contains an entry for this variant (Variation ID: 525000). Invitae Evidence Modeling of protein sequence and biophysical properties (such as structural, functional, and spatial information, amino acid conservation, physicochemical variation, residue mobility, and thermodynamic stability) indicates that this missense variant is not expected to disrupt MYH7 protein function with a negative predictive value of 95%. In summary, the available evidence is currently insufficient to determine the role of this variant in disease. Therefore, it has been classified as a Variant of Uncertain Significance.

GeneDx
Classification: Uncertain significance. Last evaluated: 2024-10-14. Review status: criteria provided, single submitter. Criteria: GeneDx Variant Classification Process June 2021. Collection method: clinical testing. Allele origin: germline. Affected: yes.
Comment: Reported previously in individuals from a population cohort and not seen in individuals from a hypertrophic cardiomyopathy cohort (PMID: 27247418); In silico analysis indicates that this missense variant does not alter protein structure/function; This variant is associated with the following publications: (PMID: 27247418)

Color Diagnostics, LLC DBA Color Health
Classification: Uncertain significance for Cardiomyopathy. Last evaluated: 2024-02-22. Review status: criteria provided, single submitter. Criteria: ACMG Guidelines, 2015. Collection method: clinical testing. Allele origin: germline.
Comment: This missense variant replaces arginine with glutamine at codon 1260 of the MYH7 protein. Computational prediction tools indicate that this variant has a neutral impact on protein structure and function. To our knowledge, functional studies have not been reported for this variant. This variant has not been reported in individuals affected with MYH7-related disorders in the literature. This variant has been identified in 8/282810 chromosomes in the general population by the Genome Aggregation Database (gnomAD). The available evidence is insufficient to determine the role of this variant in disease conclusively. Therefore, this variant is classified as a Variant of Uncertain Significance.

All of Us Research Program, National Institutes of Health
Classification: Uncertain significance for Cardiomyopathy. Last evaluated: 2023-11-30. Review status: criteria provided, single submitter. Criteria: ACMG Guidelines, 2015. Collection method: clinical testing. Allele origin: germline. Inheritance: Autosomal dominant inheritance. Observed: 3 variant alleles, 3 heterozygotes.
Comment: This missense variant replaces arginine with glutamine at codon 1260 of the MYH7 protein. Computational prediction suggests that this variant may not impact protein structure and function (internally defined REVEL score threshold <= 0.5, PMID: 27666373). To our knowledge, functional studies have not been reported for this variant. This variant has not been reported in individuals affected with MYH7-related disorders in the literature. This variant has been identified in 8/282810 chromosomes in the general population by the Genome Aggregation Database (gnomAD). The available evidence is insufficient to determine the role of this variant in disease conclusively. Therefore, this variant is classified as a Variant of Uncertain Significance.

This study involves interpretation of variants in research participants for the purpose of population health screening. Participant phenotype was not available at the time of variant classification. Additional details can be found in publication PMID: 35346344, PMCID: PMC8962531

Ambry Genetics
Classification: Uncertain significance for Cardiovascular phenotype. Last evaluated: 2023-06-04. Review status: criteria provided, single submitter. Criteria: Ambry Variant Classification Scheme 2023. Collection method: clinical testing. Allele origin: germline.
Comment: The p.R1260Q variant (also known as c.3779G>A), located in coding exon 26 of the MYH7 gene, results from a G to A substitution at nucleotide position 3779. The arginine at codon 1260 is replaced by glutamine, an amino acid with highly similar properties. This alteration has been reported in an exome cohort (Homburger JR et al. Proc Natl Acad Sci U S A, 2016 Jun;113:6701-6). This amino acid position is well conserved in available vertebrate species. In addition, this alteration is predicted to be tolerated by in silico analysis. Since supporting evidence is limited at this time, the clinical significance of this alteration remains unclear.

Fulgent Genetics
Classification: Uncertain significance for MYH7-related skeletal myopathy; Myosin storage myopathy; Hypertrophic cardiomyopathy 1; Myopathy, myosin storage, autosomal recessive; Congenital myopathy 4A, autosomal dominant; Dilated cardiomyopathy 1S. Last evaluated: 2021-09-01. Review status: criteria provided, single submitter. Criteria: ACMG Guidelines, 2015. Collection method: clinical testing. Allele origin: unknown.

Literature cited by the submitters: PubMed 27247418 (cited by Ambry Genetics).

NM_000257.4(MYH7):c.3779G>A (p.Arg1260Gln)

Gene: MYH7 (myosin heavy chain 7; minus strand). Cytogenetic location: 14q11.2.
Variant type: single nucleotide variant.
Coding change: c.3779G>A on transcript NM_000257.4 (MANE Select); coding-DNA position 3779, G replaced by A.
Protein change: p.Arg1260Gln; replaces arginine 1260 with glutamine.
Molecular consequence: missense variant.
Genome position (GRCh38, 1-based): chr14:23,419,557, C>T on the plus strand (G>A on the coding strand, the complement: MYH7 is on the minus strand). VCF-style: chr14-23419557-C-T. GRCh37 (hg19) VCF-style: chr14-23888766-C-T.
Other names: short protein forms R1260Q.
Identifiers: ClinVar variation 525000 (VCV000525000.22), dbSNP rs747308839, ClinGen allele CA038820.